The following is an entry in ClinVar:

ClinVar aggregate classification (germline): Likely pathogenic (1 of 4 stars; one submission).

Conditions:
Dilated cardiomyopathy 1G (CMD1G). Identifiers: Orphanet 154, MedGen C1858763, MONDO:0011400, OMIM 604145.
Autosomal recessive limb-girdle muscular dystrophy type 2J (LGMDR10). Also called: Limb-girdle muscular dystrophy, type 2J; MUSCULAR DYSTROPHY, LIMB-GIRDLE, AUTOSOMAL RECESSIVE 10. Identifiers: Orphanet 140922, MedGen C1837342, MONDO:0012127, OMIM 608807.

Submission:

Labcorp Genetics (formerly Invitae), Labcorp
Classification: Likely pathogenic for Dilated cardiomyopathy 1G; Autosomal recessive limb-girdle muscular dystrophy type 2J. Last evaluated: 2024-06-19. Review status: criteria provided, single submitter. Criteria: Invitae Variant Classification Sherloc (09022015). Collection method: clinical testing. Allele origin: germline.
Comment: This sequence change affects a donor splice site in intron 48 of the TTN gene. It is expected to disrupt RNA splicing and likely results in a truncated or disrupted TTN protein. This variant is not present in population databases (gnomAD no frequency). Disruption of this splice site has been observed in individual(s) with dilated cardiomyopathy (PMID: 25163546). Algorithms developed to predict the effect of sequence changes on RNA splicing suggest that this variant may disrupt the consensus splice site. This variant is located in the I band of TTN (PMID: 25589632). Truncating variants in this region have been reported in individuals affected with autosomal recessive centronuclear myopathy (PMID: 23975875, Invitae internal data). Truncating variants in this region have also been identified in individuals affected with autosomal dominant dilated cardiomyopathy and/or cardio-related conditions (PMID: 27869827, 32964742, Invitae internal data). In summary, the currently available evidence indicates that the variant is pathogenic, but additional data are needed to prove that conclusively. Therefore, this variant has been classified as Likely Pathogenic.

Literature cited by the submitters: PubMed 25163546; PubMed 25589632; PubMed 23975875; PubMed 27869827; PubMed 32964742.

NM_001267550.2(TTN):c.14092+1G>T

Gene: TTN (titin; minus strand). Cytogenetic location: 2q31.2.
Variant type: single nucleotide variant.
Coding change: c.14092+1G>T on transcript NM_001267550.2 (MANE Select); the canonical splice donor site of the intron after coding-DNA position 14092, G replaced by T.
Molecular consequence: splice donor variant. On other transcripts: intron variant (1).
Genome position (GRCh38, 1-based): chr2:178,739,140, C>A on the plus strand (G>T on the coding strand, the complement: TTN is on the minus strand). VCF-style: chr2-178739140-C-A. GRCh37 (hg19) VCF-style: chr2-179603867-C-A.
Other names: c.13003+1G>T (NM_003319.4); c.13579+1G>T (NM_133437.4); c.13378+1G>T (NM_133432.3); c.10361-780G>T (NM_133378.4); c.13141+1G>T (NM_001256850.1).
Identifiers: ClinVar variation 3759073 (VCV003759073.2).